The following is an entry in ClinVar:

ClinVar aggregate classification (germline): Pathogenic (1 of 4 stars; one submission).

Conditions:
Angelman syndrome (AS). Also called: HAPPY PUPPET SYNDROME. Identifiers: Orphanet 72, MedGen C0162635, MONDO:0007113, OMIM 105830. Disease mechanism: loss of function. Inheritance: AS is caused by disruption of maternally imprinted UBE3A located within the 15q11.2-q13 Angelman syndrome/Prader-Willi syndrome (AS/PWS) region., imprinting disorder.

Submission:

Solve-RD Consortium
Classification: Pathogenic for Angelman syndrome. Review status: criteria provided, single submitter. Criteria: ACMG/ClinGen CNV Guidelines, 2019. Collection method: provider interpretation. Allele origin: germline. Inheritance: Autosomal dominant inheritance. Affected: yes. Study: Solve-RD DIFT-EpiCARE reanalysis.
Comment: 2A, 4B, 4L

Variant identified during reanalysis of unsolved cases by the Solve-RD project. The Solve-RD project has received funding from the European Union’s Horizon 2020 research and innovation programme under grant agreement No 779257.

NC_000015.10:g.(?_23602442)_(28632839_?)del

Genes: SNORD115-37 (small nucleolar RNA, C/D box 115-37; plus strand), SNORD115-38 (small nucleolar RNA, C/D box 115-38; plus strand), SNORD115-39 (small nucleolar RNA, C/D box 115-39; plus strand), SNORD115-4 (small nucleolar RNA, C/D box 115-4; plus strand), SNORD115-40 (small nucleolar RNA, C/D box 115-40; plus strand) and 142 more. Cytogenetic location: 15q11.2-13.1.
Variant type: Deletion.
Identifiers: ClinVar variation 4974533 (VCV004974533.1).